The following is an entry in ClinVar:

ClinVar aggregate classification (germline): Uncertain significance. Review status: criteria provided, multiple submitters, no conflicts (2 of 4 stars). 6 submissions from 6 submitters: Uncertain significance (6). Last evaluated 2025-05-22.

Conditions:
Cardiomyopathy (CMYO). Also called: Cardiomyopathies. Identifiers: Orphanet 167848, MedGen C0878544, MONDO:0004994, HP:0001638. Inheritance: Various modes of inheritance.
Cardiovascular phenotype. Identifiers: MedGen CN230736.
Hypertrophic cardiomyopathy. Also called: HYPERTROPHIC MYOCARDIOPATHY. Identifiers: Orphanet 217569, MedGen C0007194, MeSH D002312, MONDO:0005045, HP:0001639.

Allele frequency attached by ClinVar (database versions not stated): gnomAD 0.00001; gnomAD exomes 0.00001.
gnomAD v4.1: 10 of 1,601,724 alleles (0.00062%); highest among the groups gnomAD compares: East Asian, 0.02%; no homozygotes.

Submissions (6):

Labcorp Genetics (formerly Invitae), Labcorp
Classification: Uncertain significance for Hypertrophic cardiomyopathy. Last evaluated: 2025-05-22. Review status: criteria provided, single submitter. Criteria: Invitae Variant Classification Sherloc (09022015). Collection method: clinical testing. Allele origin: germline.
Comment: This sequence change replaces proline, which is neutral and non-polar, with serine, which is neutral and polar, at codon 12 of the TNNI3 protein (p.Pro12Ser). This variant is present in population databases (rs553214254, gnomAD 0.04%). This variant has not been reported in the literature in individuals affected with TNNI3-related conditions. ClinVar contains an entry for this variant (Variation ID: 918113). An algorithm developed to predict the effect of missense changes on protein structure and function outputs the following: PolyPhen-2: "Not Available". The serine amino acid residue is found in multiple mammalian species, which suggests that this missense change does not adversely affect protein function. In summary, the available evidence is currently insufficient to determine the role of this variant in disease. Therefore, it has been classified as a Variant of Uncertain Significance.

All of Us Research Program, National Institutes of Health
Classification: Uncertain significance for Hypertrophic cardiomyopathy. Last evaluated: 2024-08-06. Review status: criteria provided, single submitter. Criteria: ACMG Guidelines, 2015. Collection method: clinical testing. Allele origin: germline. Inheritance: Autosomal dominant inheritance. Observed: 2 variant alleles, 2 heterozygotes.
Comment: This missense variant replaces proline with serine at codon 12 of the TNNI3 protein. Computational prediction suggests that this variant may not impact protein structure and function (internally defined REVEL score threshold <= 0.5, PMID: 27666373). To our knowledge, functional studies have not been reported for this variant. This variant has not been reported in individuals affected with cardiovascular disorders in the literature. This variant has been identified in 8/254898 chromosomes in the general population by the Genome Aggregation Database (gnomAD). The available evidence is insufficient to determine the role of this variant in disease conclusively. Therefore, this variant is classified as a Variant of Uncertain Significance.

This study involves interpretation of variants in research participants for the purpose of population health screening. Participant phenotype was not available at the time of variant classification. Additional details can be found in publication PMID: 35346344, PMCID: PMC8962531

Ambry Genetics
Classification: Uncertain significance for Cardiovascular phenotype. Last evaluated: 2024-02-05. Review status: criteria provided, single submitter. Criteria: Ambry Variant Classification Scheme 2023. Collection method: clinical testing. Allele origin: germline.

Color Diagnostics, LLC DBA Color Health
Classification: Uncertain significance for Cardiomyopathy. Last evaluated: 2023-09-22. Review status: criteria provided, single submitter. Criteria: ACMG Guidelines, 2015. Collection method: clinical testing. Allele origin: germline.
Comment: This missense variant replaces proline with serine at codon 12 of the TNNI3 protein. Computational prediction suggests that this variant may not impact protein structure and function (internally defined REVEL score threshold <= 0.5, PMID: 27666373). To our knowledge, functional studies have not been reported for this variant. This variant has not been reported in individuals affected with cardiovascular disorders in the literature. This variant has been identified in 8/254898 chromosomes in the general population by the Genome Aggregation Database (gnomAD). The available evidence is insufficient to determine the role of this variant in disease conclusively. Therefore, this variant is classified as a Variant of Uncertain Significance.

CHEO Genetics Diagnostic Laboratory, Children's Hospital of Eastern Ontario
Classification: Uncertain significance for Cardiomyopathy. Last evaluated: 2022-03-16. Review status: criteria provided, single submitter. Criteria: ACMG Guidelines, 2015. Collection method: clinical testing. Allele origin: germline.

Women's Health and Genetics/Laboratory Corporation of America, LabCorp
Classification: Uncertain significance. Last evaluated: 2020-03-02. Review status: criteria provided, single submitter. Criteria: LabCorp Variant Classification Summary - May 2015. Collection method: clinical testing. Allele origin: germline.
Comment: Variant summary: TNNI3 c.34C>T (p.Pro12Ser) results in a non-conservative amino acid change in the encoded protein sequence. Four of five in-silico tools predict a benign effect of the variant on protein function. The variant allele was found at a frequency of 3.1e-05 in 223542 control chromosomes, predominantly at a frequency of 0.00043 within the East Asian subpopulation in the gnomAD database. The available data on variant occurrences in the general population are insufficient to allow any conclusion about variant significance. To our knowledge, no occurrence of c.34C>T in individuals affected with Cardiomyopathy and no experimental evidence demonstrating its impact on protein function have been reported. No clinical diagnostic laboratories have submitted clinical-significance assessments for this variant to ClinVar after 2014. Based on the evidence outlined above, the variant was classified as uncertain significance.

NM_000363.5(TNNI3):c.34C>T (p.Pro12Ser)

Gene: TNNI3 (troponin I3, cardiac type; minus strand). Cytogenetic location: 19q13.42.
Variant type: single nucleotide variant.
Coding change: c.34C>T on transcript NM_000363.5 (MANE Select); coding-DNA position 34, C replaced by T.
Protein change: p.Pro12Ser; replaces proline 12 with serine.
Molecular consequence: missense variant.
Genome position (GRCh38, 1-based): chr19:55,157,124, G>A on the plus strand (C>T on the coding strand, the complement: TNNI3 is on the minus strand). VCF-style: chr19-55157124-G-A. GRCh37 (hg19) VCF-style: chr19-55668492-G-A.
Other names: short protein forms P12S.
Identifiers: ClinVar variation 918113 (VCV000918113.13), dbSNP rs553214254, ClinGen allele CA051305.